The following is an entry in ClinVar:

ClinVar aggregate classification (germline): Uncertain significance (1 of 4 stars; one submission).

gnomAD v4.1: 1 of 1,209,660 alleles (0.000083%); highest among the groups gnomAD compares: Non-Finnish European, 0.00011%; no homozygotes.

Submission:

GeneDx
Classification: Uncertain significance. Last evaluated: 2024-11-15. Review status: criteria provided, single submitter. Criteria: GeneDx Variant Classification Process June 2021. Collection method: clinical testing. Allele origin: germline. Affected: yes.
Comment: In silico analysis supports that this missense variant has a deleterious effect on protein structure/function; Has not been previously published as pathogenic or benign to our knowledge

NM_002024.6(FMR1):c.1360C>T (p.Arg454Cys)

Gene: FMR1 (fragile X messenger ribonucleoprotein 1; plus strand). Cytogenetic location: Xq27.3.
Variant type: single nucleotide variant.
Coding change: c.1360C>T on transcript NM_002024.6 (MANE Select); coding-DNA position 1360, C replaced by T.
Protein change: p.Arg454Cys; replaces arginine 454 with cysteine.
Molecular consequence: missense variant. On other transcripts: intron variant (2).
Genome position (GRCh38, 1-based): chrX:147,943,215, C>T. VCF-style: chrX-147943215-C-T. GRCh37 (hg19) VCF-style: chrX-147024735-C-T.
Other names: c.1297C>T, p.Arg433Cys (NM_001185076.2, NM_001185082.2); c.1276-1729C>T (NM_001185075.2); c.1213-1729C>T (NM_001185081.2); short protein forms R433C, R454C.
Identifiers: ClinVar variation 3899771 (VCV003899771.1).